The following is an entry in ClinVar:

ClinVar aggregate classification (germline): Uncertain significance (1 of 4 stars; one submission).

Allele frequency attached by ClinVar (database versions not stated): gnomAD exomes 0.00001; TOPMed 0.00004; gnomAD 0.00005.
gnomAD v4.1: 17 of 1,551,222 alleles (0.0011%); highest among the groups gnomAD compares: African/African-American, 0.023%; no homozygotes.

Submission:

Labcorp Genetics (formerly Invitae), Labcorp
Classification: Uncertain significance. Last evaluated: 2023-08-08. Review status: criteria provided, single submitter. Criteria: Invitae Variant Classification Sherloc (09022015). Collection method: clinical testing. Allele origin: germline.
Comment: In summary, the available evidence is currently insufficient to determine the role of this variant in disease. Therefore, it has been classified as a Variant of Uncertain Significance. An algorithm developed to predict the effect of missense changes on protein structure and function (PolyPhen-2) suggests that this variant is likely to be disruptive. This variant has not been reported in the literature in individuals affected with PNPLA1-related conditions. This variant is present in population databases (no rsID available, gnomAD 0.01%). This sequence change replaces valine, which is neutral and non-polar, with leucine, which is neutral and non-polar, at codon 57 of the PNPLA1 protein (p.Val57Leu).

NM_001374623.1(PNPLA1):c.169G>T (p.Val57Leu)

Gene: PNPLA1 (patatin like domain 1, omega-hydroxyceramide transacylase; plus strand). Cytogenetic location: 6p21.31.
Variant type: single nucleotide variant.
Coding change: c.169G>T on transcript NM_001374623.1 (MANE Select); coding-DNA position 169, G replaced by T.
Protein change: p.Val57Leu; replaces valine 57 with leucine.
Molecular consequence: missense variant. On other transcripts: intron variant (2).
Genome position (GRCh38, 1-based): chr6:36,270,628, G>T. VCF-style: chr6-36270628-G-T. GRCh37 (hg19) VCF-style: chr6-36238405-G-T.
Other names: c.169G>T, p.Val57Leu (NM_001145717.1); c.-80-20692G>T (NM_001145716.2, NM_173676.2); short protein forms V57L.
Identifiers: ClinVar variation 2992627 (VCV002992627.3), dbSNP rs995130703, ClinGen allele CA137362908.